The following is an entry in ClinVar:

ClinVar aggregate classification (germline): Uncertain significance (1 of 4 stars; one submission).

Conditions:
Spermatogenic failure 18. Identifiers: MedGen C4539783, MONDO:0054615, OMIM 617576.
Ciliary dyskinesia, primary, 37 (CILD37). Also called: CILIARY DYSKINESIA, PRIMARY, 37, WITH OR WITHOUT SITUS INVERSUS. Identifiers: MedGen C4539798, MONDO:0033204, OMIM 617577.

Allele frequency attached by ClinVar (database versions not stated): gnomAD exomes 0.00001 and 0.00002; ExAC 0.00002; TOPMed 0.00005; gnomAD 0.00006; 1000 Genomes Project 30x 0.00016; 1000 Genomes Project 0.00020.
gnomAD v4.1: 25 of 1,612,510 alleles (0.0016%); highest among the groups gnomAD compares: African/African-American, 0.017%; no homozygotes.

Submission:

Labcorp Genetics (formerly Invitae), Labcorp
Classification: Uncertain significance for Ciliary dyskinesia, primary, 37; Spermatogenic failure 18. Last evaluated: 2022-08-08. Review status: criteria provided, single submitter. Criteria: Invitae Variant Classification Sherloc (09022015). Collection method: clinical testing. Allele origin: germline.
Comment: This sequence change replaces serine, which is neutral and polar, with asparagine, which is neutral and polar, at codon 1833 of the DNAH1 protein (p.Ser1833Asn). This variant is present in population databases (rs189264230, gnomAD 0.03%). This variant has not been reported in the literature in individuals affected with DNAH1-related conditions. ClinVar contains an entry for this variant (Variation ID: 478461). Algorithms developed to predict the effect of missense changes on protein structure and function output the following: SIFT: "Tolerated"; PolyPhen-2: "Benign"; Align-GVGD: "Class C0". The asparagine amino acid residue is found in multiple mammalian species, which suggests that this missense change does not adversely affect protein function. In summary, the available evidence is currently insufficient to determine the role of this variant in disease. Therefore, it has been classified as a Variant of Uncertain Significance.

NM_015512.5(DNAH1):c.5498G>A (p.Ser1833Asn)

Gene: DNAH1 (dynein axonemal heavy chain 1; plus strand). Cytogenetic location: 3p21.1.
Variant type: single nucleotide variant.
Coding change: c.5498G>A on transcript NM_015512.5 (MANE Select); coding-DNA position 5498, G replaced by A.
Protein change: p.Ser1833Asn; replaces serine 1833 with asparagine.
Molecular consequence: missense variant.
Genome position (GRCh38, 1-based): chr3:52,364,999, G>A. VCF-style: chr3-52364999-G-A. GRCh37 (hg19) VCF-style: chr3-52399015-G-A.
Other names: short protein forms S1833N.
Identifiers: ClinVar variation 478461 (VCV000478461.7), dbSNP rs189264230, ClinGen allele CA2434219.
Genomic context (GRCh38, chr3:52,364,999, plus strand): 5'-AGGAGGAGGACACGGACTACGGCATCCTGGATGAGGCCATCCGCGAGGCCTGCAGGAACA[G>A]CAACCTCAAGGATGTGGAGGGTGAGCCTCGGGCCCTGAGTGTTCGTGGAGGGGCTGGCCA-3'
Protein context (NP_056327.4, residues 1823-1843): DEAIREACRN[Ser1833Asn]NLKDVEGFLT